The following is an entry in ClinVar:

NM_022463.5(NXN):c.690G>C (p.Glu230Asp)

Gene: NXN (nucleoredoxin; minus strand). Cytogenetic location: 17p13.3.
Variant type: single nucleotide variant.
Coding change: c.690G>C on transcript NM_022463.5 (MANE Select); coding-DNA position 690, G replaced by C.
Protein change: p.Glu230Asp; replaces glutamic acid 230 with aspartic acid.
Molecular consequence: missense variant.
Genome position (GRCh38, 1-based): chr17:822,380, C>G on the plus strand (G>C on the coding strand, the complement: NXN is on the minus strand). VCF-style: chr17-822380-C-G. GRCh37 (hg19) VCF-style: chr17-725620-C-G.
Other names: c.366G>C, p.Glu122Asp (NM_001205319.1); short protein forms E230D, E122D.
Identifiers: ClinVar variation 1352203 (VCV001352203.6), dbSNP rs199546668, ClinGen allele CA8264138.

ClinVar aggregate classification (germline): Uncertain significance (1 of 4 stars; one submission).

Allele frequency attached by ClinVar (database versions not stated): ExAC 0.00003; gnomAD exomes 0.00003; TOPMed 0.00004; gnomAD 0.00005 and 0.00006; ESP Exome Variant Server 0.00008.
gnomAD v4.1: 57 of 1,613,948 alleles (0.0035%); highest among the groups gnomAD compares: Non-Finnish European, 0.0041%; no homozygotes.

Submission:

Labcorp Genetics (formerly Invitae), Labcorp
Classification: Uncertain significance. Last evaluated: 2026-01-05. Review status: criteria provided, single submitter. Criteria: Invitae Variant Classification Sherloc (09022015). Collection method: clinical testing. Allele origin: germline.
Comment: This sequence change replaces glutamic acid, which is acidic and polar, with aspartic acid, which is acidic and polar, at codon 230 of the NXN protein (p.Glu230Asp). This variant is present in population databases (rs199546668, gnomAD 0.008%). This variant has not been reported in the literature in individuals affected with NXN-related conditions. ClinVar contains an entry for this variant (Variation ID: 1352203). An algorithm developed to predict the effect of missense changes on protein structure and function (PolyPhen-2) suggests that this variant is likely to be disruptive. In summary, the available evidence is currently insufficient to determine the role of this variant in disease. Therefore, it has been classified as a Variant of Uncertain Significance.